The following is an entry in ClinVar:

ClinVar aggregate classification (germline): Uncertain significance. Review status: criteria provided, multiple submitters, no conflicts (2 of 4 stars). 2 submissions from 2 submitters: Uncertain significance (2). Last evaluated 2025-12-01.

Conditions:
Cardiovascular phenotype. Identifiers: MedGen CN230736.
Costello syndrome (CSTLO). Also called: FACIOCUTANEOSKELETAL SYNDROME; HRAS-Related Costello Syndrome; FCS SYNDROME. Identifiers: Orphanet 3071, MedGen C0587248, MONDO:0009026, OMIM 218040.

Allele frequency attached by ClinVar (database versions not stated): gnomAD exomes below 0.00001.
gnomAD v4.1: 2 of 1,613,358 alleles (0.00012%); highest among the groups gnomAD compares: East Asian, 0.0045%; no homozygotes.

Submissions (2):

Ambry Genetics
Classification: Uncertain significance for Cardiovascular phenotype. Last evaluated: 2025-12-01. Review status: criteria provided, single submitter. Criteria: Ambry Variant Classification Scheme 2023. Collection method: clinical testing. Allele origin: germline.
Comment: The p.K88R variant (also known as c.263A>G), located in coding exon 2 of the HRAS gene, results from an A to G substitution at nucleotide position 263. The lysine at codon 88 is replaced by arginine, an amino acid with highly similar properties. This amino acid position is conserved. In addition, the in silico prediction for this alteration is inconclusive. Based on the available evidence, the clinical significance of this variant remains unclear.

Labcorp Genetics (formerly Invitae), Labcorp
Classification: Uncertain significance for Costello syndrome. Last evaluated: 2019-09-26. Review status: criteria provided, single submitter. Criteria: Invitae Variant Classification Sherloc (09022015). Collection method: clinical testing. Allele origin: germline.
Comment: In summary, the available evidence is currently insufficient to determine the role of this variant in disease. Therefore, it has been classified as a Variant of Uncertain Significance. Algorithms developed to predict the effect of sequence changes on RNA splicing suggest that this variant may create or strengthen a splice site, but this prediction has not been confirmed by published transcriptional studies. Algorithms developed to predict the effect of missense changes on protein structure and function are either unavailable or do not agree on the potential impact of this missense change (SIFT: "Deleterious"; PolyPhen-2: "Benign"; Align-GVGD: "Class C25"). This variant has not been reported in the literature in individuals with HRAS-related conditions. This variant is not present in population databases (ExAC no frequency). This sequence change replaces lysine with arginine at codon 88 of the HRAS protein (p.Lys88Arg). The lysine residue is highly conserved and there is a small physicochemical difference between lysine and arginine.

NM_005343.4(HRAS):c.263A>G (p.Lys88Arg)

Genes: LRRC56 (leucine rich repeat containing 56; plus strand), HRAS (HRas proto-oncogene, GTPase; minus strand). Cytogenetic location: 11p15.5.
Variant type: single nucleotide variant.
Coding change: c.263A>G on transcript NM_005343.4 (MANE Select); coding-DNA position 263, A replaced by G.
Protein change: p.Lys88Arg; replaces lysine 88 with arginine.
Molecular consequence: missense variant. On other transcripts: 5 prime UTR variant (1).
Genome position (GRCh38, 1-based): chr11:533,793, T>C on the plus strand (A>G on the coding strand, the complement: HRAS is on the minus strand). VCF-style: chr11-533793-T-C. GRCh37 (hg19) VCF-style: chr11-533793-T-C.
Other names: c.263A>G, p.Lys88Arg (NM_001130442.3, NM_176795.5); c.-57A>G (NM_001318054.2); short protein forms K88R.
Identifiers: ClinVar variation 935657 (VCV000935657.11), dbSNP rs1851272638, ClinGen allele CA378924406.